The following is an entry in ClinVar:

ClinVar aggregate classification (germline): Uncertain significance. Review status: criteria provided, multiple submitters, no conflicts (2 of 4 stars). 2 submissions from 2 submitters: Uncertain significance (2). Last evaluated 2025-10-29.

Conditions:
Desbuquois dysplasia 1 (DBQD1). Also called: MICROMELIC DWARFISM WITH VERTEBRAL AND METAPHYSEAL ABNORMALITIES AND ADVANCED CARPOTARSAL OSSIFICATION; DESBUQUOIS DYSPLASIA 1, KIM VARIANT. Identifiers: Orphanet 1425, MedGen C4012146, MONDO:0009629, OMIM 251450.
Inborn genetic diseases. Identifiers: MedGen C0950123, MeSH D030342.

gnomAD v4.1: 35 of 1,613,928 alleles (0.0022%); highest among the groups gnomAD compares: Non-Finnish European, 0.003%; no homozygotes.

Submissions (2):

Ambry Genetics
Classification: Uncertain significance for Inborn genetic diseases. Last evaluated: 2025-10-29. Review status: criteria provided, single submitter. Criteria: Ambry Variant Classification Scheme 2023. Collection method: clinical testing. Allele origin: germline.

Labcorp Genetics (formerly Invitae), Labcorp
Classification: Uncertain significance for Desbuquois dysplasia 1. Last evaluated: 2024-04-17. Review status: criteria provided, single submitter. Criteria: Invitae Variant Classification Sherloc (09022015). Collection method: clinical testing. Allele origin: germline.
Comment: This sequence change replaces tyrosine, which is neutral and polar, with cysteine, which is neutral and slightly polar, at codon 521 of the XYLT1 protein (p.Tyr521Cys). This variant is present in population databases (rs761395829, gnomAD 0.003%). This variant has not been reported in the literature in individuals affected with XYLT1-related conditions. Advanced modeling of protein sequence and biophysical properties (such as structural, functional, and spatial information, amino acid conservation, physicochemical variation, residue mobility, and thermodynamic stability) performed at Invitae indicates that this missense variant is expected to disrupt XYLT1 protein function with a positive predictive value of 80%. In summary, the available evidence is currently insufficient to determine the role of this variant in disease. Therefore, it has been classified as a Variant of Uncertain Significance.

NM_022166.4(XYLT1):c.1562A>G (p.Tyr521Cys)

Gene: XYLT1 (xylosyltransferase 1; minus strand). Cytogenetic location: 16p12.3.
Variant type: single nucleotide variant.
Coding change: c.1562A>G on transcript NM_022166.4 (MANE Select); coding-DNA position 1562, A replaced by G.
Protein change: p.Tyr521Cys; replaces tyrosine 521 with cysteine.
Molecular consequence: missense variant.
Genome position (GRCh38, 1-based): chr16:17,141,178, T>C on the plus strand (A>G on the coding strand, the complement: XYLT1 is on the minus strand). VCF-style: chr16-17141178-T-C. GRCh37 (hg19) VCF-style: chr16-17235035-T-C.
Other names: c.1562A>G (NM_022166.3); short protein forms Y521C.
Identifiers: ClinVar variation 3689600 (VCV003689600.3).
Genomic context (GRCh38, chr16:17,141,178, plus strand): 5'-CTATCTTTCTTGGGAAAATTTTCCCAGATACTCACCTCAGCAGGAAGCAGGGTGTAGGAG[T>C]AGAACTGTTTCATCTTGGTCACCAGATCGTCTGTGGAGAAGGTCACATATTCTACAAACC-3'
Protein context (NP_071449.1, residues 511-531): DDLVTKMKQF[Tyr521Cys]SYTLLPAESF